The following is an entry in ClinVar:

NM_000574.5(CD55):c.1015C>A (p.His339Asn)

Gene: CD55 (CD55 molecule (Cromer blood group); plus strand). Cytogenetic location: 1q32.2.
Variant type: single nucleotide variant.
Coding change: c.1015C>A on transcript NM_000574.5 (MANE Select); coding-DNA position 1015, C replaced by A.
Protein change: p.His339Asn; replaces histidine 339 with asparagine.
Molecular consequence: missense variant. On other transcripts: non-coding transcript variant (1).
Genome position (GRCh38, 1-based): chr1:207,337,364, C>A. VCF-style: chr1-207337364-C-A. GRCh37 (hg19) VCF-style: chr1-207510709-C-A.
Other names: c.1015C>A, p.His339Asn (NM_001114752.3, NM_001300902.2, NM_001300903.2 and 1 more transcripts); c.1015C>A (NM_000574.3); short protein forms H339N.
Identifiers: ClinVar variation 1390413 (VCV001390413.5), dbSNP rs372998346, ClinGen allele CA1368172.

ClinVar aggregate classification (germline): Uncertain significance. Review status: criteria provided, multiple submitters, no conflicts (2 of 4 stars). 2 submissions from 2 submitters: Uncertain significance (2). Last evaluated 2021-08-12.

Conditions:
Inborn genetic diseases. Identifiers: MedGen C0950123, MeSH D030342.

Allele frequency attached by ClinVar (database versions not stated): gnomAD 0.00001; TOPMed 0.00001; gnomAD exomes 0.00004 and 0.00008; ESP Exome Variant Server 0.00008; ExAC 0.00011; 1000 Genomes Project 30x 0.00031; 1000 Genomes Project 0.00040.
gnomAD v4.1: 54 of 1,611,774 alleles (0.0034%); highest among the groups gnomAD compares: South Asian, 0.057%; 1 homozygote.

Submissions (2):

Ambry Genetics
Classification: Uncertain significance for Inborn genetic diseases. Last evaluated: 2021-08-12. Review status: criteria provided, single submitter. Criteria: Ambry Variant Classification Scheme 2023. Collection method: clinical testing. Allele origin: germline.

Labcorp Genetics (formerly Invitae), Labcorp
Classification: Uncertain significance. Last evaluated: 2021-08-08. Review status: criteria provided, single submitter. Criteria: Invitae Variant Classification Sherloc (09022015). Collection method: clinical testing. Allele origin: germline.
Comment: This sequence change replaces histidine with asparagine at codon 339 of the CD55 protein (p.His339Asn). The histidine residue is weakly conserved and there is a small physicochemical difference between histidine and asparagine. This variant is present in population databases (rs372998346, ExAC 0.08%). This variant has not been reported in the literature in individuals affected with CD55-related conditions. Algorithms developed to predict the effect of missense changes on protein structure and function (SIFT, PolyPhen-2, Align-GVGD) all suggest that this variant is likely to be tolerated. In summary, the available evidence is currently insufficient to determine the role of this variant in disease. Therefore, it has been classified as a Variant of Uncertain Significance.